The following is an entry in ClinVar:

ClinVar aggregate classification (germline): Uncertain significance. Review status: criteria provided, multiple submitters, no conflicts (2 of 4 stars). 2 submissions from 2 submitters: Uncertain significance (2). Last evaluated 2025-10-06.

Allele frequency attached by ClinVar (database versions not stated): ExAC 0.00002; TOPMed 0.00002; gnomAD 0.00003; gnomAD exomes 0.00003.
gnomAD v4.1: 54 of 1,613,692 alleles (0.0033%); highest among the groups gnomAD compares: Non-Finnish European, 0.0044%; no homozygotes.

Submissions (2):

Labcorp Genetics (formerly Invitae), Labcorp
Classification: Uncertain significance. Last evaluated: 2025-10-06. Review status: criteria provided, single submitter. Criteria: Invitae Variant Classification Sherloc (09022015). Collection method: clinical testing. Allele origin: germline.
Comment: This sequence change replaces glutamine, which is neutral and polar, with lysine, which is basic and polar, at codon 1230 of the HMCN1 protein (p.Gln1230Lys). This variant is present in population databases (rs773077151, gnomAD 0.004%). This variant has not been reported in the literature in individuals affected with HMCN1-related conditions. ClinVar contains an entry for this variant (Variation ID: 2192102). An algorithm developed to predict the effect of missense changes on protein structure and function outputs the following: PolyPhen-2: "Benign". The lysine amino acid residue is found in multiple mammalian species, which suggests that this missense change does not adversely affect protein function. In summary, the available evidence is currently insufficient to determine the role of this variant in disease. Therefore, it has been classified as a Variant of Uncertain Significance.

Ambry Genetics
Classification: Uncertain significance. Last evaluated: 2023-12-08. Review status: criteria provided, single submitter. Criteria: Ambry Variant Classification Scheme 2023. Collection method: clinical testing. Allele origin: germline.

NM_031935.3(HMCN1):c.3688C>A (p.Gln1230Lys)

Gene: HMCN1 (hemicentin 1; plus strand). Cytogenetic location: 1q31.1.
Variant type: single nucleotide variant.
Coding change: c.3688C>A on transcript NM_031935.3 (MANE Select); coding-DNA position 3688, C replaced by A.
Protein change: p.Gln1230Lys; replaces glutamine 1230 with lysine.
Molecular consequence: missense variant.
Genome position (GRCh38, 1-based): chr1:185,994,997, C>A. VCF-style: chr1-185994997-C-A. GRCh37 (hg19) VCF-style: chr1-185964129-C-A.
Other names: c.3688C>A (NM_031935.2); short protein forms Q1230K.
Identifiers: ClinVar variation 2192102 (VCV002192102.5), dbSNP rs773077151, ClinGen allele CA1291788.